The following is an entry in ClinVar:

NM_001330691.3(CEP78):c.798C>T (p.Cys266=)

Gene: CEP78 (centrosomal protein 78; plus strand). Cytogenetic location: 9q21.2.
Variant type: single nucleotide variant.
Coding change: c.798C>T on transcript NM_001330691.3 (MANE Select); coding-DNA position 798, C replaced by T.
Protein change: p.Cys266=; no amino-acid change (cysteine 266 retained).
Molecular consequence: synonymous variant.
Genome position (GRCh38, 1-based): chr9:78,246,688, C>T. VCF-style: chr9-78246688-C-T. GRCh37 (hg19) VCF-style: chr9-80861604-C-T.
Other names: c.798C>T, p.Cys266= (NM_001098802.3, NM_001330693.3, NM_001330694.2 and 4 more transcripts).
Identifiers: ClinVar variation 788277 (VCV000788277.35), dbSNP rs201356997, ClinGen allele CA5095030.

ClinVar aggregate classification (germline): Benign/Likely benign. Review status: criteria provided, multiple submitters, no conflicts (2 of 4 stars). 3 submissions from 3 submitters: Benign (1); Likely benign (2). Last evaluated 2026-09-01.

Allele frequency attached by ClinVar (database versions not stated): 1000 Genomes Project 30x 0.00016; 1000 Genomes Project 0.00020; ExAC 0.00150; gnomAD exomes 0.00157 and 0.00211; TOPMed 0.00173; gnomAD 0.00182 and 0.00189; ESP Exome Variant Server 0.00236.
gnomAD v4.1: 3,285 of 1,606,754 alleles (0.2%); highest among the groups gnomAD compares: Non-Finnish European, 0.26%; 5 homozygotes.

Submissions (3):

CeGaT Center for Human Genetics Tuebingen
Classification: Likely benign. Last evaluated: 2026-09-01. Review status: criteria provided, single submitter. Criteria: CeGaT Center For Human Genetics Tuebingen Variant Classification Criteria Version 2. Collection method: clinical testing. Allele origin: germline. Affected: yes. Observed: 5 variant alleles.
Comment: CEP78: BP4, BP7

Labcorp Genetics (formerly Invitae), Labcorp
Classification: Benign. Last evaluated: 2026-02-01. Review status: criteria provided, single submitter. Criteria: Invitae Variant Classification Sherloc (09022015). Collection method: clinical testing. Allele origin: germline.

Blueprint Genetics
Classification: Likely benign. Last evaluated: 2024-11-21. Review status: criteria provided, single submitter. Criteria: ACMG Guidelines, 2015. Collection method: clinical testing. Allele origin: germline.